The following is an entry in ClinVar:

ClinVar aggregate classification (germline): Conflicting classifications of pathogenicity. Review status: criteria provided, conflicting classifications (1 of 4 stars). 9 submissions from 9 submitters: Uncertain significance (1); Benign (2); Likely benign (3). 3 of the submissions do not count toward it. Last evaluated 2025-12-29.

Conditions:
MAPT-related disorder. Also called: MAPT-related condition; MAPT-Related Disorders.
MAPT-Related Spectrum Disorders.
Progressive supranuclear palsy-parkinsonism syndrome. Also called: Supranuclear palsy, progressive, 1, atypical; Progressive supranuclear palsy atypical; Atypical PSP; PARKINSON-DEMENTIA SYNDROME. Identifiers: Orphanet 240085, Orphanet 683, Orphanet 99750, MedGen C1850077, MONDO:0009839, OMIM 260540.
Frontotemporal dementia (FTD1). Also called: FRONTOTEMPORAL DEMENTIA WITH PARKINSONISM; FRONTOTEMPORAL LOBE DEMENTIA; MULTIPLE SYSTEM TAUOPATHY WITH PRESENILE DEMENTIA; WILHELMSEN-LYNCH DISEASE; Frontotemporal lobe dementia (FLDEM); Dementia, frontotemporal, with or without parkinsonism. Identifiers: Orphanet 282, MedGen C0338451, MONDO:0017276, OMIM 600274, HP:0002145.

Allele frequency attached by ClinVar (database versions not stated): 1000 Genomes Project 30x 0.00016; 1000 Genomes Project 0.00020; gnomAD exomes 0.00063; gnomAD 0.00084 and 0.00085; TOPMed 0.00097; ESP Exome Variant Server 0.00138.
gnomAD v4.1: 1,820 of 1,612,214 alleles (0.11%); highest among the groups gnomAD compares: Non-Finnish European, 0.14%; 2 homozygotes.

Submissions (9):

Labcorp Genetics (formerly Invitae), Labcorp
Classification: Uncertain significance for Frontotemporal dementia. Last evaluated: 2025-12-29. Review status: criteria provided, single submitter. Criteria: Invitae Variant Classification Sherloc (09022015). Collection method: clinical testing. Allele origin: germline.
Comment: This sequence change replaces alanine, which is neutral and non-polar, with threonine, which is neutral and polar, at codon 239 of the MAPT protein (p.Ala239Thr). This variant is present in population databases (rs63750096, gnomAD 0.1%), and has an allele count higher than expected for a pathogenic variant. This missense change has been observed in individual(s) with Alzheimer's disease, frontotemporal dementia, and/or Parkinson disease (PMID: 11912108, 22312439, 23053136, 25466404, 27094865). ClinVar contains an entry for this variant (Variation ID: 98208). Invitae Evidence Modeling of protein sequence and biophysical properties (such as structural, functional, and spatial information, amino acid conservation, physicochemical variation, residue mobility, and thermodynamic stability) indicates that this missense variant is not expected to disrupt MAPT protein function with a negative predictive value of 80%. In summary, the available evidence is currently insufficient to determine the role of this variant in disease. Therefore, it has been classified as a Variant of Uncertain Significance.

Mayo Clinic Laboratories, Mayo Clinic
Classification: Likely benign. Last evaluated: 2025-10-14. Review status: criteria provided, single submitter. Criteria: ACMG Guidelines, 2015. Collection method: clinical testing. Allele origin: germline. Observed: 1 variant allele.
Comment: BS1, BP4_moderate

CeGaT Center for Human Genetics Tuebingen
Classification: Likely benign. Last evaluated: 2025-07-01. Review status: criteria provided, single submitter. Criteria: CeGaT Center For Human Genetics Tuebingen Variant Classification Criteria Version 2. Collection method: clinical testing. Allele origin: germline. Affected: yes. Observed: 2 variant alleles.
Comment: MAPT: BP4

Molecular Genetics, Royal Melbourne Hospital
Classification: Likely benign for Progressive supranuclear palsy-parkinsonism syndrome. Last evaluated: 2024-01-05. Review status: criteria provided, single submitter. Criteria: ACMG Guidelines, 2015. Collection method: clinical testing. Allele origin: germline. Inheritance: Autosomal dominant inheritance.

GeneDx
Classification: Benign. Last evaluated: 2019-01-30. Review status: criteria provided, single submitter. Criteria: GeneDx Variant Classification Process June 2021. Collection method: clinical testing. Allele origin: germline. Affected: yes.
Comment: This variant is associated with the following publications: (PMID: 17071927, 25466404, 23053136)

Illumina Laboratory Services, Illumina
Classification: Benign for MAPT-Related Spectrum Disorders. Last evaluated: 2018-01-13. Review status: criteria provided, single submitter. Criteria: ICSL Variant Classification Criteria 13 December 2019. Collection method: clinical testing. Allele origin: germline.
Comment: This variant was observed in the ICSL laboratory as part of a predisposition screen in an ostensibly healthy population. It had not been previously curated by ICSL or reported in the Human Gene Mutation Database (HGMD: prior to June 1st, 2018), and was therefore a candidate for classification through an automated scoring system. Utilizing variant allele frequency, disease prevalence and penetrance estimates, and inheritance mode, an automated score was calculated to assess if this variant is too frequent to cause the disease. Based on the score and internal cut-off values, a variant classified as benign is not then subjected to further curation. The score for this variant resulted in a classification of benign for this disease.

PreventionGenetics, part of Exact Sciences
Classification: Likely benign for MAPT-related condition. Last evaluated: 2023-05-26. Review status: no assertion criteria provided. Collection method: clinical testing. Allele origin: germline. Not counted in ClinVar's aggregate classification.
Comment: This variant is classified as likely benign based on ACMG/AMP sequence variant interpretation guidelines (Richards et al. 2015 PMID: 25741868, with internal and published modifications).

Department of Pathology and Laboratory Medicine, Sinai Health System
Classification: Uncertain significance. Review status: no assertion criteria provided. Collection method: clinical testing. Allele origin: unknown. Affected: yes. Study: The Canadian Open Genetics Repository (COGR). Not counted in ClinVar's aggregate classification.
Comment: The MAPT p.Ala239Thr variant was identified in 5/91 individuals with late-onset Parkinson's Disease (age of onset 62-87) and in 1/96 control individuals (Petersen_2015_PMID:25466404). The p.A239T variant was also identified in 4/439 late-onset Alzheimer disease (AD) families, 4/1,806 sporadic AD cases and 4/1,346 elderly controls (Cruchaga_2012_PMID:22312439). The variant was identified in dbSNP (ID: rs63750096), LOVD 3.0 and ClinVar (classified as uncertain significance by Invitae and as likely benign by Illumina). The variant was not identified in databases. The variant was identified in control databases in 177 of 279944 chromosomes at a frequency of 0.0006323 increasing the likelihood this could be a low frequency benign variant (Genome Aggregation Database March 6, 2019, v2.1.1). The variant was observed in the following populations: European (non-Finnish) in 153 of 127156 chromosomes (freq: 0.001203), African in 14 of 24686 chromosomes (freq: 0.000567), European (Finnish) in 4 of 24990 chromosomes (freq: 0.00016), Latino in 5 of 35350 chromosomes (freq: 0.000141) and Other in 1 of 7152 chromosomes (freq: 0.00014), but was not observed in the Ashkenazi Jewish, East Asian, or South Asian populations. The p.Ala239 residue is not conserved in mammals and computational analyses (PolyPhen-2, SIFT, AlignGVGD, BLOSUM, MutationTaster) do not suggest a high likelihood of impact to the protein; however, this information is not predictive enough to rule out pathogenicity. The variant occurs outside of the splicing consensus sequence and in silico or computational prediction software programs (SpliceSiteFinder, MaxEntScan, NNSPLICE, GeneSplicer) do not predict a difference in splicing. In summary, based on the above information the clinical significance of this variant cannot be determined with certainty at this time. This variant is classified as a variant of uncertain significance.

VIB  Department of Molecular Genetics, University of Antwerp
No classification provided. Review status: no classification provided. Collection method: not provided. Allele origin: not provided. Not counted in ClinVar's aggregate classification.

Literature cited by the submitters: PubMed 11912108 (cited by Labcorp Genetics (formerly Invitae), Labcorp and Mayo Clinic Laboratories, Mayo Clinic); PubMed 22312439 (cited by Labcorp Genetics (formerly Invitae), Labcorp and Mayo Clinic Laboratories, Mayo Clinic); PubMed 23053136 (cited by Labcorp Genetics (formerly Invitae), Labcorp and Mayo Clinic Laboratories, Mayo Clinic); PubMed 25466404 (cited by Labcorp Genetics (formerly Invitae), Labcorp and Mayo Clinic Laboratories, Mayo Clinic); PubMed 27094865 (cited by Labcorp Genetics (formerly Invitae), Labcorp and Mayo Clinic Laboratories, Mayo Clinic); PubMed 17071927 (cited by Mayo Clinic Laboratories, Mayo Clinic); PubMed 23664753 (cited by Mayo Clinic Laboratories, Mayo Clinic); PubMed 23666556 (cited by Mayo Clinic Laboratories, Mayo Clinic); PubMed 26550830 (cited by Mayo Clinic Laboratories, Mayo Clinic); PubMed 27785004 (cited by Mayo Clinic Laboratories, Mayo Clinic); PubMed 35120450 (cited by Mayo Clinic Laboratories, Mayo Clinic).

NM_001377265.1(MAPT):c.1891G>A (p.Ala631Thr)

Gene: MAPT (microtubule associated protein tau). Cytogenetic location: 17q21.31.
Variant type: single nucleotide variant.
Coding change: c.1891G>A on transcript NM_001377265.1 (MANE Select); coding-DNA position 1891, G replaced by A.
Protein change: p.Ala631Thr; replaces alanine 631 with threonine.
Molecular consequence: missense variant. On other transcripts: non-coding transcript variant (1).
Genome position (GRCh38, 1-based): chr17:45,996,557, G>A. VCF-style: chr17-45996557-G-A. GRCh37 (hg19) VCF-style: chr17-44073923-G-A.
Other names: p.Ala239Thr; c.1720G>A, p.Ala574Thr (NM_001123066.4); c.628G>A, p.Ala210Thr (NM_001123067.4, NM_001203251.2, NM_001377267.1); c.715G>A, p.Ala239Thr (NM_001203252.2, NM_005910.6); c.1693G>A, p.Ala565Thr (NM_001377266.1); c.541G>A, p.Ala181Thr (NM_001377268.1, NM_016834.5, NM_016841.5); c.1666G>A, p.Ala556Thr (NM_016835.5); c.1720G>A (NM_001123066.3); short protein forms A556T, A239T, A574T, A181T, A210T, A565T, A631T.
Identifiers: ClinVar variation 98208 (VCV000098208.28), dbSNP rs63750096, ClinGen allele CA225409.